The following is an entry in ClinVar:

ClinVar aggregate classification (germline): Uncertain significance (1 of 4 stars; one submission).

Conditions:
SEMA3C-related disorder. Also called: SEMA3C-related condition.

gnomAD v4.1: 46 of 1,602,994 alleles (0.0029%); highest among the groups gnomAD compares: Non-Finnish European, 0.0036%; no homozygotes.

Submission:

PreventionGenetics, part of Exact Sciences
Classification: Uncertain significance for SEMA3C-related condition. Last evaluated: 2025-11-17. Review status: criteria provided, single submitter. Criteria: ACMG Guidelines, 2015. Collection method: clinical testing. Allele origin: germline.
Comment: The SEMA3C c.340A>G variant is predicted to result in the amino acid substitution p.Ile114Val. To our knowledge, this variant has not been reported in the literature. This variant is reported in 0.011% of alleles in individuals of European (Non-Finnish) descent in gnomAD. At this time, the clinical significance of this variant is uncertain due to the absence of conclusive functional and genetic evidence.

NM_006379.5(SEMA3C):c.286A>G (p.Ile96Val)

Gene: SEMA3C (semaphorin 3C; minus strand). Cytogenetic location: 7q21.11.
Variant type: single nucleotide variant.
Coding change: c.286A>G on transcript NM_006379.5 (MANE Select); coding-DNA position 286, A replaced by G.
Protein change: p.Ile96Val; replaces isoleucine 96 with valine.
Molecular consequence: missense variant.
Genome position (GRCh38, 1-based): chr7:80,827,466, T>C on the plus strand (A>G on the coding strand, the complement: SEMA3C is on the minus strand). VCF-style: chr7-80827466-T-C. GRCh37 (hg19) VCF-style: chr7-80456782-T-C.
Other names: c.340A>G, p.Ile114Val (NM_001350120.2); c.112A>G, p.Ile38Val (NM_001350121.2); short protein forms I114V, I38V, I96V.
Identifiers: ClinVar variation 3358846 (VCV003358846.2).